The following is an entry in ClinVar:

ClinVar aggregate classification (germline): Pathogenic. Review status: reviewed by expert panel (3 of 4 stars). 2 submissions from 2 submitters: Pathogenic (1). 1 of the submissions does not count toward it. Last evaluated 2017-12-15.

Conditions:
Familial cancer of breast. Also called: hereditary breast carcinoma; BREAST CANCER, FAMILIAL; Hereditary breast cancer. Identifiers: Orphanet 227535, MedGen C0346153, MONDO:0016419, OMIM 114480. Disease mechanism: loss of function.
Breast-ovarian cancer, familial, susceptibility to, 1 (BROVCA1). Also called: BRCA1 Hereditary Breast and Ovarian Cancer; OVARIAN CANCER, SUSCEPTIBILITY TO. Identifiers: Orphanet 145, MedGen C2676676, MONDO:0011450, OMIM 604370. Disease mechanism: loss of function.

Submissions (2):

Evidence-based Network for the Interpretation of Germline Mutant Alleles (ENIGMA)
Classification: Pathogenic for Breast-ovarian cancer, familial, susceptibility to, 1. Last evaluated: 2017-12-15. Review status: reviewed by expert panel. Criteria: ENIGMA BRCA1/2 Classification Criteria (2017-06-29). Collection method: curation. Allele origin: germline. Study: ENIGMA.
Comment: Variant allele predicted to encode a truncated non-functional protein.

ClinVar Staff, National Center for Biotechnology Information (NCBI)
No classification provided. Condition: Familial cancer of breast. Review status: no classification provided. Collection method: literature only. Allele origin: germline. Affected: yes. Not counted in ClinVar's aggregate classification.

Literature cited by the submitters: PubMed 17513806 (cited by ClinVar Staff, National Center for Biotechnology Information (NCBI)).

NM_007294.4(BRCA1):c.536del (p.Tyr179fs)

Gene: BRCA1 (BRCA1 DNA repair associated; minus strand). Cytogenetic location: 17q21.31.
Variant type: Deletion.
Coding change: c.536del on transcript NM_007294.4 (MANE Select); coding-DNA position 536, one base deleted (A; older notation c.536delA).
Protein change: p.Tyr179fs; shifts the reading frame from tyrosine 179.
Molecular consequence: frameshift variant. On other transcripts: non-coding transcript variant (1).
Genome position (GRCh38, 1-based): chr17:43,099,786, T deleted on the plus strand (A on the coding strand, the reverse complement: BRCA1 is on the minus strand). VCF-style (leftmost placement, unchanged base first): chr17-43099785-GT-G. GRCh37 (hg19) VCF-style: chr17-41251802-GT-G.
Other names: c.323delA, p.Tyr108Serfs (NM_001407571.1, NM_001407853.1, NM_001407894.1 and 18 more transcripts); c.536delA, p.Tyr179Serfs (NM_001407581.1, NM_001407582.1, NM_001407583.1 and 95 more transcripts); c.533delA, p.Tyr178Serfs (NM_001407587.1, NM_001407590.1, NM_001407591.1 and 65 more transcripts); c.527delA, p.Tyr176Serfs (NM_001407646.1, NM_001407647.1, NM_001408408.1); c.458delA, p.Tyr153Serfs (NM_001407653.1, NM_001407654.1, NM_001407655.1 and 12 more transcripts); c.455delA, p.Tyr152Serfs (NM_001407659.1, NM_001407660.1, NM_001407661.1 and 6 more transcripts); c.395delA, p.Tyr132Serfs (NM_001407692.1, NM_001407694.1, NM_001407695.1 and 60 more transcripts); c.392delA, p.Tyr131Serfs (NM_001407740.1, NM_001407741.1, NM_001407742.1 and 35 more transcripts); and 6 more; short protein forms Y132fs, Y179fs.
Identifiers: ClinVar variation 55555 (VCV000055555.3), dbSNP rs397509273, ClinGen allele CA003537.